The following is an entry in ClinVar:

NM_003597.5(KLF11):c.1054G>A (p.Ala352Thr)

Gene: KLF11 (KLF transcription factor 11; plus strand). Cytogenetic location: 2p25.1.
Variant type: single nucleotide variant.
Coding change: c.1054G>A on transcript NM_003597.5 (MANE Select); coding-DNA position 1054, G replaced by A.
Protein change: p.Ala352Thr; replaces alanine 352 with threonine.
Molecular consequence: missense variant.
Genome position (GRCh38, 1-based): chr2:10,048,391, G>A. VCF-style: chr2-10048391-G-A. GRCh37 (hg19) VCF-style: chr2-10188518-G-A.
Other names: c.1003G>A, p.Ala335Thr (NM_001177716.2, NM_001177718.2); short protein forms A352T, A335T.
Identifiers: ClinVar variation 1512758 (VCV001512758.6), dbSNP rs929349988, ClinGen allele CA42430101.
Genomic context (GRCh38, chr2:10,048,391, plus strand): 5'-CCTGCTGTGCCTCAGGGAGCTGTGATGTTGGTCCTGCCCCAGGGAGCCCTCCCTCCGCCT[G>A]CCCCCTGTGCAGCCAATGTCATGGCTGCCGGGAATACCAAGTTGTTGCCCCTTGCCCCTG-3'
Protein context (NP_003588.1, residues 342-362): VLPQGALPPP[Ala352Thr]PCAANVMAAG

ClinVar aggregate classification (germline): Uncertain significance (1 of 4 stars; one submission).

gnomAD v4.1: 7 of 1,613,246 alleles (0.00043%); highest among the groups gnomAD compares: Non-Finnish European, 0.00059%; no homozygotes.

Submission:

Labcorp Genetics (formerly Invitae), Labcorp
Classification: Uncertain significance. Last evaluated: 2021-08-14. Review status: criteria provided, single submitter. Criteria: Invitae Variant Classification Sherloc (09022015). Collection method: clinical testing. Allele origin: germline.
Comment: In summary, the available evidence is currently insufficient to determine the role of this variant in disease. Therefore, it has been classified as a Variant of Uncertain Significance. Algorithms developed to predict the effect of missense changes on protein structure and function output the following: SIFT: "Tolerated"; PolyPhen-2: "Benign"; Align-GVGD: "Class C0". The threonine amino acid residue is found in multiple mammalian species, which suggests that this missense change does not adversely affect protein function. This sequence change replaces alanine with threonine at codon 352 of the KLF11 protein (p.Ala352Thr). The alanine residue is moderately conserved and there is a small physicochemical difference between alanine and threonine. This variant is not present in population databases (ExAC no frequency). This variant has not been reported in the literature in individuals affected with KLF11-related conditions.